The following is an entry in ClinVar:

NM_001142800.2(EYS):c.409A>G (p.Asn137Asp)

Gene: EYS (eyes shut homolog; minus strand). Cytogenetic location: 6q12.
Variant type: single nucleotide variant.
Coding change: c.409A>G on transcript NM_001142800.2 (MANE Select); coding-DNA position 409, A replaced by G.
Protein change: p.Asn137Asp; replaces asparagine 137 with aspartic acid.
Molecular consequence: missense variant.
Genome position (GRCh38, 1-based): chr6:65,495,002, T>C on the plus strand (A>G on the coding strand, the complement: EYS is on the minus strand). VCF-style: chr6-65495002-T-C. GRCh37 (hg19) VCF-style: chr6-66204895-T-C.
Other names: c.409A>G, p.Asn137Asp (NM_001142801.2, NM_001292009.2, NM_198283.2); short protein forms N137D.
Identifiers: ClinVar variation 2179114 (VCV002179114.1), dbSNP rs200529868, ClinGen allele CA140434969.

ClinVar aggregate classification (germline): Uncertain significance (1 of 4 stars; one submission).

Allele frequency attached by ClinVar (database versions not stated): TOPMed below 0.00001; gnomAD exomes 0.00001.
gnomAD v4.1: 11 of 1,614,170 alleles (0.00068%); highest among the groups gnomAD compares: Admixed American, 0.005%; no homozygotes.

Submission:

Labcorp Genetics (formerly Invitae), Labcorp
Classification: Uncertain significance. Last evaluated: 2022-10-17. Review status: criteria provided, single submitter. Criteria: Invitae Variant Classification Sherloc (09022015). Collection method: clinical testing. Allele origin: germline.
Comment: This sequence change replaces asparagine, which is neutral and polar, with aspartic acid, which is acidic and polar, at codon 137 of the EYS protein (p.Asn137Asp). This variant is present in population databases (rs200529868, gnomAD 0.003%). This variant has not been reported in the literature in individuals affected with EYS-related conditions. Algorithms developed to predict the effect of missense changes on protein structure and function (SIFT, PolyPhen-2, Align-GVGD) all suggest that this variant is likely to be tolerated. In summary, the available evidence is currently insufficient to determine the role of this variant in disease. Therefore, it has been classified as a Variant of Uncertain Significance.